The following is an entry in ClinVar:

ClinVar aggregate classification (germline): Likely pathogenic (1 of 4 stars; one submission).

Conditions:
Dilated cardiomyopathy 1G (CMD1G). Identifiers: Orphanet 154, MedGen C1858763, MONDO:0011400, OMIM 604145.
Autosomal recessive limb-girdle muscular dystrophy type 2J (LGMDR10). Also called: MUSCULAR DYSTROPHY, LIMB-GIRDLE, AUTOSOMAL RECESSIVE 10; Limb-girdle muscular dystrophy, type 2J. Identifiers: Orphanet 140922, MedGen C1837342, MONDO:0012127, OMIM 608807.

Allele frequency attached by ClinVar (database versions not stated): gnomAD exomes below 0.00001.
gnomAD v4.1: 1 of 1,612,188 alleles (0.000062%); highest among the groups gnomAD compares: South Asian, 0.0011%; no homozygotes.

Submission:

Labcorp Genetics (formerly Invitae), Labcorp
Classification: Likely pathogenic for Dilated cardiomyopathy 1G; Autosomal recessive limb-girdle muscular dystrophy type 2J. Last evaluated: 2024-07-16. Review status: criteria provided, single submitter. Criteria: Invitae Variant Classification Sherloc (09022015). Collection method: clinical testing. Allele origin: germline.
Comment: This sequence change creates a premature translational stop signal (p.Glu16061*) in the TTN gene. While this is not anticipated to result in nonsense mediated decay, it is expected to create a truncated TTN protein. This variant is not present in population databases (gnomAD no frequency). This premature translational stop signal has been observed in individual(s) with dilated cardiomyopathy (PMID: 33106378). This variant is located in the A band of TTN (PMID: 25589632). Truncating variants in this region are significantly overrepresented in patients affected with dilated cardiomyopathy (PMID: 25589632). Truncating variants in this region have also been reported in individuals affected with autosomal recessive centronuclear myopathy (PMID: 23975875). In summary, the currently available evidence indicates that the variant is pathogenic, but additional data are needed to prove that conclusively. Therefore, this variant has been classified as Likely Pathogenic.

Literature cited by the submitters: PubMed 33106378; PubMed 25589632; PubMed 23975875.

NM_001267550.2(TTN):c.48181G>T (p.Glu16061Ter)

Genes: TTN (titin; minus strand), TTN-AS1 (TTN antisense RNA 1; plus strand). Cytogenetic location: 2q31.2.
Variant type: single nucleotide variant.
Coding change: c.48181G>T on transcript NM_001267550.2 (MANE Select); coding-DNA position 48181, G replaced by T.
Protein change: p.Glu16061Ter; replaces glutamic acid 16061 with a stop codon.
Molecular consequence: nonsense.
Genome position (GRCh38, 1-based): chr2:178,616,610, C>A on the plus strand (G>T on the coding strand, the complement: TTN is on the minus strand). VCF-style: chr2-178616610-C-A. GRCh37 (hg19) VCF-style: chr2-179481337-C-A.
Other names: c.43258G>T, p.Glu14420Ter (NM_001256850.1); c.20986G>T, p.Glu6996Ter (NM_003319.4); c.40477G>T, p.Glu13493Ter (NM_133378.4); c.21361G>T, p.Glu7121Ter (NM_133432.3); c.21562G>T, p.Glu7188Ter (NM_133437.4); short protein forms E16061*, E13493*, E14420*, E6996*, E7188*, E7121*.
Identifiers: ClinVar variation 2930611 (VCV002930611.3), dbSNP rs2470808380, ClinGen allele CA349611796.
Genomic context (GRCh38, chr2:178,616,610, plus strand): 5'-CATCAGGTGGTTCCCAAGTCAAATGTACTGAGTCCTTGGTTATATCACCAAATTTCAATT[C>A]TTTGGGTGCACTTGGGCGAGCTGAAAAAAAATGCACTCACGAGTCACTGTTAATAGTCTG-3'